The following is an entry in ClinVar:

ClinVar aggregate classification (germline): Uncertain significance. Review status: criteria provided, single submitter (1 of 4 stars). 2 submissions from 2 submitters: Uncertain significance (1). 1 of the submissions does not count toward it. Last evaluated 2022-12-18.

Conditions:
GABRB1-related disorder. Also called: GABRB1-related condition.

Allele frequency attached by ClinVar (database versions not stated): gnomAD exomes below 0.00001; ExAC 0.00001; gnomAD 0.00001.
gnomAD v4.1: 3 of 1,611,208 alleles (0.00019%); highest among the groups gnomAD compares: South Asian, 0.0022%; no homozygotes.

Submissions (2):

Labcorp Genetics (formerly Invitae), Labcorp
Classification: Uncertain significance. Last evaluated: 2022-12-18. Review status: criteria provided, single submitter. Criteria: Invitae Variant Classification Sherloc (09022015). Collection method: clinical testing. Allele origin: germline.
Comment: In summary, the available evidence is currently insufficient to determine the role of this variant in disease. Therefore, it has been classified as a Variant of Uncertain Significance. Variants that disrupt the consensus splice site are a relatively common cause of aberrant splicing (PMID: 17576681, 9536098). Algorithms developed to predict the effect of sequence changes on RNA splicing suggest that this variant is not likely to affect RNA splicing. This variant has not been reported in the literature in individuals affected with GABRB1-related conditions. This variant is present in population databases (rs779124452, gnomAD 0.003%). This sequence change falls in intron 1 of the GABRB1 gene. It does not directly change the encoded amino acid sequence of the GABRB1 protein. It affects a nucleotide within the consensus splice site.

PreventionGenetics, part of Exact Sciences
Classification: Likely benign for GABRB1-related condition. Last evaluated: 2019-05-28. Review status: no assertion criteria provided. Collection method: clinical testing. Allele origin: germline. Not counted in ClinVar's aggregate classification.
Comment: This variant is classified as likely benign based on ACMG/AMP sequence variant interpretation guidelines (Richards et al. 2015 PMID: 25741868, with internal and published modifications).

Literature cited by the submitters: PubMed 17576681 (cited by Labcorp Genetics (formerly Invitae), Labcorp); PubMed 9536098 (cited by Labcorp Genetics (formerly Invitae), Labcorp).

NM_000812.4(GABRB1):c.80+3G>A

Gene: GABRB1 (gamma-aminobutyric acid type A receptor subunit beta1; plus strand). Cytogenetic location: 4p12.
Variant type: single nucleotide variant.
Coding change: c.80+3G>A on transcript NM_000812.4 (MANE Select); 3 bases into the intron after coding-DNA position 80, G replaced by A.
Molecular consequence: intron variant.
Genome position (GRCh38, 1-based): chr4:47,031,734, G>A. VCF-style: chr4-47031734-G-A. GRCh37 (hg19) VCF-style: chr4-47033751-G-A.
Other names: c.80+3G>A (NM_000812.3).
Identifiers: ClinVar variation 2139045 (VCV002139045.6), dbSNP rs779124452, ClinGen allele CA2907394.